The following is an entry in ClinVar:

NM_000540.3(RYR1):c.10182G>A (p.Val3394=)

Gene: RYR1 (ryanodine receptor 1; plus strand). Cytogenetic location: 19q13.2.
Variant type: single nucleotide variant.
Coding change: c.10182G>A on transcript NM_000540.3 (MANE Select); coding-DNA position 10182, G replaced by A.
Protein change: p.Val3394=; no amino-acid change (valine 3394 retained).
Molecular consequence: synonymous variant.
Genome position (GRCh38, 1-based): chr19:38,519,377, G>A. VCF-style: chr19-38519377-G-A. GRCh37 (hg19) VCF-style: chr19-39010017-G-A.
Other names: c.10182G>A, p.Val3394= (NM_001042723.2).
Identifiers: ClinVar variation 2774223 (VCV002774223.6), dbSNP rs374557070, ClinGen allele CA052500.

ClinVar aggregate classification (germline): Likely benign. Review status: criteria provided, multiple submitters, no conflicts (2 of 4 stars). 3 submissions from 3 submitters: Likely benign (3). Last evaluated 2024-03-20.

Conditions:
Malignant hyperthermia, susceptibility to, 1 (MHS1). Also called: Malignant hyperthermia suceptibility 1; Anesthesia related hyperthermia; Malignant hyperpyrexia; Fulminating hyperpyrexia; Pharmacogenic myopathy; RYR1-Related Malignant Hyperthermia Susceptibility. Identifiers: Orphanet 423, MedGen C2930980, MONDO:0007783, OMIM 145600.
RYR1-related disorder. Also called: RYR1-related condition; RYR1-related disorders. Identifiers: MedGen CN239331.

Submissions (3):

Labcorp Genetics (formerly Invitae), Labcorp
Classification: Likely benign for RYR1-related disorder. Last evaluated: 2024-03-20. Review status: criteria provided, single submitter. Criteria: Invitae Variant Classification Sherloc (09022015). Collection method: clinical testing. Allele origin: germline.

All of Us Research Program, National Institutes of Health
Classification: Likely benign for Malignant hyperthermia, susceptibility to, 1. Last evaluated: 2023-12-01. Review status: criteria provided, single submitter. Criteria: ACMG Guidelines, 2015. Collection method: clinical testing. Allele origin: germline. Inheritance: Autosomal dominant inheritance. Observed: 2 variant alleles, 2 heterozygotes.
Comment: This study involves interpretation of variants in research participants for the purpose of population health screening. Participant phenotype was not available at the time of variant classification. Additional details can be found in publication PMID: 35346344, PMCID: PMC8962531

Color Diagnostics, LLC DBA Color Health
Classification: Likely benign for Malignant hyperthermia, susceptibility to, 1. Last evaluated: 2023-05-08. Review status: criteria provided, single submitter. Criteria: ACMG Guidelines, 2015. Collection method: clinical testing. Allele origin: germline.